The following is an entry in ClinVar:

ClinVar aggregate classification (germline): Conflicting classifications of pathogenicity. Review status: criteria provided, conflicting classifications (1 of 4 stars). 2 submissions from 2 submitters: Uncertain significance (1); Likely benign (1). Last evaluated 2026-01-21.

Submissions (2):

Labcorp Genetics (formerly Invitae), Labcorp
Classification: Likely benign. Last evaluated: 2026-01-21. Review status: criteria provided, single submitter. Criteria: Invitae Variant Classification Sherloc (09022015). Collection method: clinical testing. Allele origin: germline.

GeneDx
Classification: Uncertain significance. Last evaluated: 2024-03-25. Review status: criteria provided, single submitter. Criteria: GeneDx Variant Classification Process June 2021. Collection method: clinical testing. Allele origin: germline. Affected: yes.
Comment: Not observed at significant frequency in large population cohorts (gnomAD); In silico analysis supports that this variant does not alter splicing; Has not been previously published as pathogenic or benign to our knowledge

NM_001205293.3(CACNA1E):c.5325A>G (p.Leu1775=)

Gene: CACNA1E (calcium voltage-gated channel subunit alpha1 E; plus strand). Cytogenetic location: 1q25.3.
Variant type: single nucleotide variant.
Coding change: c.5325A>G on transcript NM_001205293.3 (MANE Select); coding-DNA position 5325, A replaced by G.
Protein change: p.Leu1775=; no amino-acid change (leucine 1775 retained).
Molecular consequence: synonymous variant.
Genome position (GRCh38, 1-based): chr1:181,781,484, A>G. VCF-style: chr1-181781484-A-G. GRCh37 (hg19) VCF-style: chr1-181750620-A-G.
Other names: c.5325A>G, p.Leu1775= (NM_000721.4); c.5268A>G, p.Leu1756= (NM_001205294.2).
Identifiers: ClinVar variation 3371257 (VCV003371257.2).